The following is an entry in ClinVar:

ClinVar aggregate classification (germline): Uncertain significance. Review status: criteria provided, multiple submitters, no conflicts (2 of 4 stars). 2 submissions from 2 submitters: Uncertain significance (2). Last evaluated 2024-01-03.

Conditions:
Inborn genetic diseases. Identifiers: MedGen C0950123, MeSH D030342.

Submissions (2):

Ambry Genetics
Classification: Uncertain significance for Inborn genetic diseases. Last evaluated: 2024-01-03. Review status: criteria provided, single submitter. Criteria: Ambry Variant Classification Scheme 2023. Collection method: clinical testing. Allele origin: germline.

CeGaT Center for Human Genetics Tuebingen
Classification: Uncertain significance. Last evaluated: 2023-06-01. Review status: criteria provided, single submitter. Criteria: CeGaT Center For Human Genetics Tuebingen Variant Classification Criteria Version 2. Collection method: clinical testing. Allele origin: germline. Affected: yes. Observed: 1 variant allele.
Comment: ELOVL5: PM2, BP4

NM_021814.5(ELOVL5):c.97A>T (p.Ile33Leu)

Gene: ELOVL5 (ELOVL fatty acid elongase 5; minus strand). Cytogenetic location: 6p12.1.
Variant type: single nucleotide variant.
Coding change: c.97A>T on transcript NM_021814.5 (MANE Select); coding-DNA position 97, A replaced by T.
Protein change: p.Ile33Leu; replaces isoleucine 33 with leucine.
Molecular consequence: missense variant.
Genome position (GRCh38, 1-based): chr6:53,291,925, T>A on the plus strand (A>T on the coding strand, the complement: ELOVL5 is on the minus strand). VCF-style: chr6-53291925-T-A. GRCh37 (hg19) VCF-style: chr6-53156723-T-A.
Other names: c.97A>T, p.Ile33Leu (NM_001242828.2, NM_001242830.2, NM_001301856.2); c.97A>T (NM_001242828.1); short protein forms I33L.
Identifiers: ClinVar variation 2656649 (VCV002656649.25), dbSNP rs148971820, ClinGen allele CA364483671.